The following is an entry in ClinVar:

NM_032578.4(MYPN):c.1757A>G (p.Asn586Ser)

Gene: MYPN (myopalladin; plus strand). Cytogenetic location: 10q21.3.
Variant type: single nucleotide variant.
Coding change: c.1757A>G on transcript NM_032578.4 (MANE Select); coding-DNA position 1757, A replaced by G.
Protein change: p.Asn586Ser; replaces asparagine 586 with serine.
Molecular consequence: missense variant. On other transcripts: non-coding transcript variant (2).
Genome position (GRCh38, 1-based): chr10:68,166,450, A>G. VCF-style: chr10-68166450-A-G. GRCh37 (hg19) VCF-style: chr10-69926207-A-G.
Other names: c.1757A>G, p.Asn586Ser (NM_001256267.2); c.875A>G, p.Asn292Ser (NM_001256268.2); short protein forms N586S, N292S.
Identifiers: ClinVar variation 517602 (VCV000517602.18), dbSNP rs550455783, ClinGen allele CA5522651.

ClinVar aggregate classification (germline): Uncertain significance. Review status: criteria provided, multiple submitters, no conflicts (2 of 4 stars). 6 submissions from 6 submitters: Uncertain significance (6). Last evaluated 2025-06-09.

Conditions:
Cardiovascular phenotype. Identifiers: MedGen CN230736.
Dilated cardiomyopathy 1KK (CMD1KK). Identifiers: Orphanet 154, Orphanet 75249, MedGen C3714995, MONDO:0014100, OMIM 615248.
MYPN-related myopathy (CMYO24). Also called: Nemaline myopathy 11, autosomal recessive. Identifiers: MedGen C4479186, MONDO:0015023, OMIM 617336.

Allele frequency attached by ClinVar (database versions not stated): gnomAD exomes 0.00005 and 0.00010; TOPMed 0.00005; gnomAD 0.00006 and 0.00011; ExAC 0.00010; 1000 Genomes Project 30x 0.00016; 1000 Genomes Project 0.00020.
gnomAD v4.1: 82 of 1,614,150 alleles (0.0051%); highest among the groups gnomAD compares: South Asian, 0.024%; no homozygotes.

Submissions (6):

Ambry Genetics
Classification: Uncertain significance for Cardiovascular phenotype. Last evaluated: 2025-06-09. Review status: criteria provided, single submitter. Criteria: Ambry Variant Classification Scheme 2023. Collection method: clinical testing. Allele origin: germline.

Fulgent Genetics
Classification: Uncertain significance for Dilated cardiomyopathy 1KK; MYPN-related myopathy. Last evaluated: 2024-04-29. Review status: criteria provided, single submitter. Criteria: ACMG Guidelines, 2015. Collection method: clinical testing. Allele origin: germline.

Blueprint Genetics
Classification: Uncertain significance. Last evaluated: 2024-03-06. Review status: criteria provided, single submitter. Criteria: ACMG Guidelines, 2015. Collection method: clinical testing. Allele origin: germline.

Labcorp Genetics (formerly Invitae), Labcorp
Classification: Uncertain significance for Dilated cardiomyopathy 1KK. Last evaluated: 2022-09-12. Review status: criteria provided, single submitter. Criteria: Invitae Variant Classification Sherloc (09022015). Collection method: clinical testing. Allele origin: germline.
Comment: This sequence change replaces asparagine, which is neutral and polar, with serine, which is neutral and polar, at codon 586 of the MYPN protein (p.Asn586Ser). This variant is present in population databases (rs550455783, gnomAD 0.03%). This variant has not been reported in the literature in individuals affected with MYPN-related conditions. ClinVar contains an entry for this variant (Variation ID: 517602). Algorithms developed to predict the effect of missense changes on protein structure and function are either unavailable or do not agree on the potential impact of this missense change (SIFT: "Tolerated"; PolyPhen-2: "Probably Damaging"; Align-GVGD: "Class C0"). Algorithms developed to predict the effect of sequence changes on RNA splicing suggest that this variant may create or strengthen a splice site. In summary, the available evidence is currently insufficient to determine the role of this variant in disease. Therefore, it has been classified as a Variant of Uncertain Significance.

GeneDx
Classification: Uncertain significance. Last evaluated: 2022-03-30. Review status: criteria provided, single submitter. Criteria: GeneDx Variant Classification Process June 2021. Collection method: clinical testing. Allele origin: germline. Affected: yes.
Comment: Has not been previously published as pathogenic or benign to our knowledge; In silico analysis supports that this missense variant does not alter protein structure/function

Laboratory for Molecular Medicine, Mass General Brigham Personalized Medicine
Classification: Uncertain significance. Last evaluated: 2017-09-11. Review status: criteria provided, single submitter. Criteria: LMM Criteria. Collection method: clinical testing. Allele origin: germline. Observed: 1 variant allele.
Comment: The p.Asn586Ser variant in MYPN has not been previously reported in individuals with cardiomyopathy or myopathy, but has been identified in 27/277118 chromosome s across various ethnicities by the Genome Aggregation Database (gnomAD; dbSNP rs550455783). Computational prediction tools an d conservation analysis suggest that the p.Asn586Ser variant may impact the prot ein, though this information is not predictive enough to determine pathogenicity . In summary, the clinical significance of the p.Asn586Ser variant is uncertain.